The following is an entry in ClinVar:

NM_005687.5(FARSB):c.656T>C (p.Leu219Pro)

Gene: FARSB (phenylalanyl-tRNA synthetase subunit beta; minus strand). Cytogenetic location: 2q36.1.
Variant type: single nucleotide variant.
Coding change: c.656T>C on transcript NM_005687.5 (MANE Select); coding-DNA position 656, T replaced by C.
Protein change: p.Leu219Pro; replaces leucine 219 with proline.
Molecular consequence: missense variant. On other transcripts: non-coding transcript variant (1).
Genome position (GRCh38, 1-based): chr2:222,633,258, A>G on the plus strand (T>C on the coding strand, the complement: FARSB is on the minus strand). VCF-style: chr2-222633258-A-G. GRCh37 (hg19) VCF-style: chr2-223497977-A-G.
Other names: c.656T>C (NM_005687.4, NM_005687.3); short protein forms L219P.
Identifiers: ClinVar variation 1358944 (VCV001358944.7), dbSNP rs146768351, ClinGen allele CA2136593.

ClinVar aggregate classification (germline): Uncertain significance. Review status: criteria provided, multiple submitters, no conflicts (2 of 4 stars). 3 submissions from 3 submitters: Uncertain significance (3). Last evaluated 2025-09-16.

Conditions:
FARSB-related disorder. Also called: FARSB-related condition.
Inborn genetic diseases. Identifiers: MedGen C0950123, MeSH D030342.

Allele frequency attached by ClinVar (database versions not stated): ESP Exome Variant Server 0.00015; gnomAD exomes 0.00013 and 0.00015; ExAC 0.00013; TOPMed 0.00015; gnomAD 0.00021.
gnomAD v4.1: 242 of 1,585,524 alleles (0.015%); highest among the groups gnomAD compares: Admixed American, 0.025%; no homozygotes.

Submissions (3):

Ambry Genetics
Classification: Uncertain significance for Inborn genetic diseases. Last evaluated: 2025-09-16. Review status: criteria provided, single submitter. Criteria: Ambry Variant Classification Scheme 2023. Collection method: clinical testing. Allele origin: germline.
Comment: The c.656T>C (p.L219P) alteration is located in exon 7 (coding exon 7) of the FARSB gene. This alteration results from a T to C substitution at nucleotide position 656, causing the leucine (L) at amino acid position 219 to be replaced by a proline (P). Based on data from gnomAD, the C allele has an overall frequency of 0.012% (32/270188) total alleles studied. The highest observed frequency was 0.02% (25/125466) of European (non-Finnish) alleles. This amino acid position is not well conserved in available vertebrate species. This alteration is predicted to be tolerated by in silico analysis. Based on insufficient or conflicting evidence, the clinical significance of this alteration remains unclear.

Labcorp Genetics (formerly Invitae), Labcorp
Classification: Uncertain significance. Last evaluated: 2024-04-10. Review status: criteria provided, single submitter. Criteria: Invitae Variant Classification Sherloc (09022015). Collection method: clinical testing. Allele origin: germline.
Comment: This sequence change replaces leucine, which is neutral and non-polar, with proline, which is neutral and non-polar, at codon 219 of the FARSB protein (p.Leu219Pro). This variant is present in population databases (rs146768351, gnomAD 0.02%). This variant has not been reported in the literature in individuals affected with FARSB-related conditions. ClinVar contains an entry for this variant (Variation ID: 1358944). Advanced modeling of protein sequence and biophysical properties (such as structural, functional, and spatial information, amino acid conservation, physicochemical variation, residue mobility, and thermodynamic stability) performed at Invitae indicates that this missense variant is not expected to disrupt FARSB protein function with a negative predictive value of 80%. In summary, the available evidence is currently insufficient to determine the role of this variant in disease. Therefore, it has been classified as a Variant of Uncertain Significance.

PreventionGenetics, part of Exact Sciences
Classification: Uncertain significance for FARSB-related condition. Last evaluated: 2023-07-09. Review status: criteria provided, single submitter. Criteria: ACMG Guidelines, 2015. Collection method: clinical testing. Allele origin: germline.
Comment: The FARSB c.656T>C variant is predicted to result in the amino acid substitution p.Leu219Pro. To our knowledge, this variant has not been reported in the literature. This variant is reported in 0.020% of alleles in individuals of European (Non-Finnish) descent in gnomAD. At this time, the clinical significance of this variant is uncertain due to the absence of conclusive functional and genetic evidence.